The following is an entry in ClinVar:

NM_001005272.3(OR4A5):c.318T>G (p.Gly106=)

Gene: OR4A5 (olfactory receptor family 4 subfamily A member 5; plus strand). Cytogenetic location: 11q11.
Variant type: single nucleotide variant.
Coding change: c.318T>G on transcript NM_001005272.3 (MANE Select); coding-DNA position 318, T replaced by G.
Protein change: p.Gly106=; no amino-acid change (glycine 106 retained).
Molecular consequence: synonymous variant.
Genome position (GRCh38, 1-based): chr11:54,707,202, T>G. VCF-style: chr11-54707202-T-G. GRCh37 (hg19) VCF-style: chr11-51412078-A-C.
Identifiers: ClinVar variation 2641783 (VCV002641783.24), dbSNP rs5002406, ClinGen allele CA474202252.
Genomic context (GRCh38, chr11:54,707,202, plus strand): 5'-TAAAAAGACTATTTCCTTCCAAGGTTGCATGGGCCAGCTATTTATAGACCATTTCTTTGG[T>G]GGGGCTGAGGTCTTCCTTCTGGTGGTGATGGCCTGTGATCGCTATGTGGCCATCTGTAAG-3'
Protein context (NP_001005272.3, residues 96-116): MGQLFIDHFF[Gly106=]GAEVFLLVVM

ClinVar aggregate classification (germline): Likely benign (1 of 4 stars; one submission).

Submission:

CeGaT Center for Human Genetics Tuebingen
Classification: Likely benign. Last evaluated: 2023-05-01. Review status: criteria provided, single submitter. Criteria: CeGaT Center For Human Genetics Tuebingen Variant Classification Criteria Version 2. Collection method: clinical testing. Allele origin: germline. Affected: yes. Observed: 1 variant allele.
Comment: OR4A5: BP4, BP7